The following is an entry in ClinVar:

ClinVar aggregate classification (germline): Uncertain significance. Review status: criteria provided, multiple submitters, no conflicts (2 of 4 stars). 3 submissions from 3 submitters: Uncertain significance (3). Last evaluated 2026-02-14.

Conditions:
Inborn genetic diseases. Identifiers: MedGen C0950123, MeSH D030342.
Multiple congenital anomalies-hypotonia-seizures syndrome 3 (MCAHS3). Also called: GLYCOSYLPHOSPHATIDYLINOSITOL BIOSYNTHESIS DEFECT 7. Identifiers: Orphanet 369837, MedGen C3809356, MONDO:0014165, OMIM 615398.

Allele frequency attached by ClinVar (database versions not stated): ExAC 0.00001; gnomAD 0.00001 and 0.00002; gnomAD exomes 0.00001; TOPMed 0.00002; 1000 Genomes Project 30x 0.00016; 1000 Genomes Project 0.00020.
gnomAD v4.1: 22 of 1,614,124 alleles (0.0014%); highest among the groups gnomAD compares: Non-Finnish European, 0.0017%; no homozygotes.

Submissions (3):

GeneDx
Classification: Uncertain significance. Last evaluated: 2026-02-14. Review status: criteria provided, single submitter. Criteria: GeneDx Variant Classification Process June 2021. Collection method: clinical testing. Allele origin: germline.
Comment: Not observed at significant frequency in large population cohorts (gnomAD); In silico analysis supports that this missense variant has a deleterious effect on protein structure/function; Has not been previously published as pathogenic or benign to our knowledge

Ambry Genetics
Classification: Uncertain significance for Inborn genetic diseases. Last evaluated: 2025-03-24. Review status: criteria provided, single submitter. Criteria: Ambry Variant Classification Scheme 2023. Collection method: clinical testing. Allele origin: germline.

Labcorp Genetics (formerly Invitae), Labcorp
Classification: Uncertain significance for Multiple congenital anomalies-hypotonia-seizures syndrome 3. Last evaluated: 2024-12-09. Review status: criteria provided, single submitter. Criteria: Invitae Variant Classification Sherloc (09022015). Collection method: clinical testing. Allele origin: germline.
Comment: This sequence change replaces arginine, which is basic and polar, with tryptophan, which is neutral and slightly polar, at codon 178 of the PIGT protein (p.Arg178Trp). This variant is present in population databases (rs199624997, gnomAD 0.002%). This variant has not been reported in the literature in individuals affected with PIGT-related conditions. ClinVar contains an entry for this variant (Variation ID: 1496134). Invitae Evidence Modeling of protein sequence and biophysical properties (such as structural, functional, and spatial information, amino acid conservation, physicochemical variation, residue mobility, and thermodynamic stability) indicates that this missense variant is expected to disrupt PIGT protein function with a positive predictive value of 95%. In summary, the available evidence is currently insufficient to determine the role of this variant in disease. Therefore, it has been classified as a Variant of Uncertain Significance.

NM_015937.6(PIGT):c.532C>T (p.Arg178Trp)

Gene: PIGT (phosphatidylinositol glycan anchor biosynthesis class T; plus strand). Cytogenetic location: 20q13.12.
Variant type: single nucleotide variant.
Coding change: c.532C>T on transcript NM_015937.6 (MANE Select); coding-DNA position 532, C replaced by T.
Protein change: p.Arg178Trp; replaces arginine 178 with tryptophan.
Molecular consequence: missense variant. On other transcripts: non-coding transcript variant (3).
Genome position (GRCh38, 1-based): chr20:45,419,333, C>T. VCF-style: chr20-45419333-C-T. GRCh37 (hg19) VCF-style: chr20-44047973-C-T.
Other names: c.532C>T (NM_015937.5, NM_015937.4); c.364C>T, p.Arg122Trp (NM_001184728.3); c.532C>T, p.Arg178Trp (NM_001184729.3); c.226C>T, p.Arg76Trp (NM_001184730.3); short protein forms R76W, R122W, R178W.
Identifiers: ClinVar variation 1496134 (VCV001496134.9), dbSNP rs199624997, ClinGen allele CA9877926.
Genomic context (GRCh38, chr20:45,419,333, plus strand): 5'-GACAGACCTCTGTCTCCCTCAGACACTGACCACTACTTTCTGCGCTATGCTGTGCTGCCG[C>T]GGGAGGTGGTCTGCACCGAAAACCTCACCCCCTGGAAGAAGCTCTTGCCCTGTAGTTCCA-3'
Protein context (NP_057021.2, residues 168-188): HYFLRYAVLP[Arg178Trp]EVVCTENLTP